The following is an entry in ClinVar:

ClinVar aggregate classification (germline): Pathogenic. Review status: criteria provided, multiple submitters, no conflicts (2 of 4 stars). 12 submissions from 11 submitters: Pathogenic (10). 2 of the submissions do not count toward it. Last evaluated 2026-08-27.

Conditions:
Rare genetic deafness. Identifiers: Orphanet 96210, MedGen C5680250.
Usher syndrome. Also called: Usher Syndromes; Usher's syndrome. Identifiers: Orphanet 886, MedGen CN469326, MeSH D052245, MONDO:0019501. Disease mechanism: loss of function.
USH2A-related disorder. Also called: USH2A-related disorders; USH2A-related condition. Identifiers: MedGen CN239332.
Usher syndrome type 2A. Also called: RETINAL DISEASE IN USHER SYNDROME TYPE IIA, MODIFIER OF; USHER SYNDROME, TYPE IIA. Identifiers: Orphanet 231178, Orphanet 886, MedGen C1848634, MONDO:0010169, OMIM 276901.
Retinitis pigmentosa 39 (RP39). Identifiers: Orphanet 791, MedGen C3151138, MONDO:0013436, OMIM 613809.

gnomAD v4.1: 21 of 1,612,784 alleles (0.0013%); highest among the groups gnomAD compares: Non-Finnish European, 0.0017%; no homozygotes.

Submissions (12):

GeneDx
Classification: Pathogenic. Last evaluated: 2026-08-27. Review status: criteria provided, single submitter. Criteria: GeneDx Variant Classification Process June 2021. Collection method: clinical testing. Allele origin: germline.
Comment: Nonsense variant predicted to result in protein truncation or nonsense mediated decay in a gene for which loss of function is a known mechanism of disease; Not observed at significant frequency in large population cohorts (gnomAD); This variant is associated with the following publications: (PMID: 22135276, 28894305, 31266775, 28559085, 26164827, 31370859, 31964843, 36819107, 38219857)

PreventionGenetics, part of Exact Sciences
Classification: Pathogenic for USH2A-related condition. Last evaluated: 2026-07-31. Review status: criteria provided, single submitter. Criteria: ACMG Guidelines, 2015. Collection method: clinical testing. Allele origin: germline.
Comment: The USH2A c.9459C>A variant is predicted to result in premature protein termination (p.Cys3153*). This variant was reported in individuals with Usher syndrome (see, for example, supplementary data, Le Quesne Stabej et al. 2012. PubMed ID: 22135276; supplementary data, Stone et al. 2017. PubMed ID: 28559085). This variant is reported in 0.0065% of alleles in individuals of European (Non-Finnish) descent in gnomAD. Nonsense variants in USH2A are expected to be pathogenic. This variant is interpreted as pathogenic.

Labcorp Genetics (formerly Invitae), Labcorp
Classification: Pathogenic. Last evaluated: 2025-04-26. Review status: criteria provided, single submitter. Criteria: Invitae Variant Classification Sherloc (09022015). Collection method: clinical testing. Allele origin: germline.
Comment: This sequence change creates a premature translational stop signal (p.Cys3153*) in the USH2A gene. It is expected to result in an absent or disrupted protein product. Loss-of-function variants in USH2A are known to be pathogenic (PMID: 10729113, 10909849, 20507924, 25649381). This variant is present in population databases (rs73090721, gnomAD 0.007%). This premature translational stop signal has been observed in individual(s) with clinical features of Usher syndrome and/or retinitis pigmentosa (PMID: 22135276, 28559085, 31370859). ClinVar contains an entry for this variant (Variation ID: 48628). For these reasons, this variant has been classified as Pathogenic.

Baylor Genetics
Classification: Pathogenic for Retinitis pigmentosa 39. Last evaluated: 2023-12-09. Review status: criteria provided, single submitter. Criteria: ACMG Guidelines, 2015. Collection method: clinical testing. Allele origin: unknown.

Genome-Nilou Lab
Classification: Pathogenic for Retinitis pigmentosa 39. Last evaluated: 2023-11-04. Review status: criteria provided, single submitter. Criteria: ACMG Guidelines, 2015. Collection method: clinical testing. Allele origin: germline. Affected: no.

Genome-Nilou Lab
Classification: Pathogenic for Usher syndrome type 2A. Last evaluated: 2023-11-04. Review status: criteria provided, single submitter. Criteria: ACMG Guidelines, 2015. Collection method: clinical testing. Allele origin: germline. Affected: no.

SN ONGC Dept of Genetics and Molecular biology Vision Research Foundation
Classification: Pathogenic for Usher syndrome. Last evaluated: 2022-12-31. Review status: criteria provided, single submitter. Criteria: ACMG Guidelines, 2015. Collection method: research. Allele origin: biparental. Affected: yes. Observed: 1 variant allele, 1 heterozygote.

Blueprint Genetics
Classification: Pathogenic for USH2A-related disorders. Last evaluated: 2022-09-13. Review status: criteria provided, single submitter. Criteria: ACMG Guidelines, 2015. Collection method: clinical testing. Allele origin: germline. Affected: yes. Observed: 5 variant alleles.

Women's Health and Genetics/Laboratory Corporation of America, LabCorp
Classification: Pathogenic for Usher syndrome. Last evaluated: 2021-10-27. Review status: criteria provided, single submitter. Criteria: LabCorp Variant Classification Summary - May 2015. Collection method: clinical testing. Allele origin: germline.
Comment: Variant summary: USH2A c.9459C>A (p.Cys3153X) results in a premature termination codon, predicted to cause a truncation of the encoded protein or absence of the protein due to nonsense mediated decay, which are commonly known mechanisms for disease. The variant was absent in 250418 control chromosomes (gnomAD). c.9459C>A has been reported in the literature in individuals affected with Usher Syndrome and autosomal recessive Retinitis Pigmentosa (e.g. Le Quesne Stabej_2012, Sujirakul_2015). These data indicate that the variant is likely to be associated with disease. To our knowledge, no experimental evidence demonstrating an impact on protein function has been reported. Five ClinVar submitters (evaluation after 2014) cite the variant as pathogenic/likely pathogenic. Based on the evidence outlined above, the variant was classified as pathogenic.

Laboratory for Molecular Medicine, Mass General Brigham Personalized Medicine
Classification: Pathogenic for Rare genetic deafness. Last evaluated: 2012-03-12. Review status: criteria provided, single submitter. Criteria: LMM Criteria. Collection method: clinical testing. Allele origin: germline. Inheritance: Autosomal recessive inheritance. Observed: 2 variant alleles.
Comment: The Cys3153X variant in USH2A has been reported in one individual with Usher syn drome who was compound heterozygous with a second pathogenic USH2A variant (Le Q uesne Stabej 2012). This nonsense variant leads to a premature termination codon at position 3153, which is predicted to lead to a truncated or absent protein. In summary, this variant meets our criteria to be classified as pathogenic.

Natera, Inc.
Classification: Pathogenic for Usher syndrome type 2A. Last evaluated: 2020-09-16. Review status: no assertion criteria provided. Collection method: clinical testing. Allele origin: germline. Not counted in ClinVar's aggregate classification.

Counsyl
Classification: Pathogenic for Usher syndrome type 2A; Retinitis pigmentosa 39. Last evaluated: 2018-05-22. Review status: no assertion criteria provided. Collection method: clinical testing. Allele origin: unknown. Not counted in ClinVar's aggregate classification.

Literature cited by the submitters: PubMed 10729113 (cited by Labcorp Genetics (formerly Invitae), Labcorp); PubMed 10909849 (cited by Labcorp Genetics (formerly Invitae), Labcorp); PubMed 20507924 (cited by Labcorp Genetics (formerly Invitae), Labcorp); PubMed 25649381 (cited by Labcorp Genetics (formerly Invitae), Labcorp); PubMed 22135276 (cited by 4 submitters); PubMed 28559085 (cited by Labcorp Genetics (formerly Invitae), Labcorp and Women's Health and Genetics/Laboratory Corporation of America, LabCorp); PubMed 31370859 (cited by Labcorp Genetics (formerly Invitae), Labcorp and Women's Health and Genetics/Laboratory Corporation of America, LabCorp); PubMed 28894305 (cited by Women's Health and Genetics/Laboratory Corporation of America, LabCorp and Counsyl); PubMed 26164827 (cited by Women's Health and Genetics/Laboratory Corporation of America, LabCorp).

NM_206933.4(USH2A):c.9459C>A (p.Cys3153Ter)

Gene: USH2A (usherin; minus strand). Cytogenetic location: 1q41.
Variant type: single nucleotide variant.
Coding change: c.9459C>A on transcript NM_206933.4 (MANE Select); coding-DNA position 9459, C replaced by A.
Protein change: p.Cys3153Ter; replaces cysteine 3153 with a stop codon.
Molecular consequence: nonsense.
Genome position (GRCh38, 1-based): chr1:215,817,108, G>T on the plus strand (C>A on the coding strand, the complement: USH2A is on the minus strand). VCF-style: chr1-215817108-G-T. GRCh37 (hg19) VCF-style: chr1-215990450-G-T.
Other names: short protein forms C3153*.
Identifiers: ClinVar variation 48628 (VCV000048628.48), dbSNP rs73090721, ClinGen allele CA262133.